The following is an entry in ClinVar:

NM_000426.4(LAMA2):c.5297A>G (p.Glu1766Gly)

Gene: LAMA2 (laminin subunit alpha 2; plus strand). Cytogenetic location: 6q22.33.
Variant type: single nucleotide variant.
Coding change: c.5297A>G on transcript NM_000426.4 (MANE Select); coding-DNA position 5297, A replaced by G.
Protein change: p.Glu1766Gly; replaces glutamic acid 1766 with glycine.
Molecular consequence: missense variant.
Genome position (GRCh38, 1-based): chr6:129,393,107, A>G. VCF-style: chr6-129393107-A-G. GRCh37 (hg19) VCF-style: chr6-129714252-A-G.
Other names: p.Glu1766Gly; c.5297A>G, p.Glu1766Gly (NM_001079823.2); short protein forms E1766G.
Identifiers: ClinVar variation 2140013 (VCV002140013.5), dbSNP rs145815606, ClinGen allele CA3993841.

ClinVar aggregate classification (germline): Conflicting classifications of pathogenicity. Review status: criteria provided, conflicting classifications (1 of 4 stars). 2 submissions from 2 submitters: Uncertain significance (1); Likely benign (1). Last evaluated 2025-06-29.

Conditions:
LAMA2-related muscular dystrophy (LAMA2-RD). Also called: Laminin alpha 2-related dystrophy. Identifiers: MedGen C5679788, MONDO:0100228.

Allele frequency attached by ClinVar (database versions not stated): gnomAD exomes below 0.00001; gnomAD 0.00001; ExAC 0.00002; TOPMed 0.00003; ESP Exome Variant Server 0.00008.
gnomAD v4.1: 3 of 1,613,996 alleles (0.00019%); highest among the groups gnomAD compares: African/African-American, 0.004%; no homozygotes.

Submissions (2):

Mayo Clinic Laboratories, Mayo Clinic
Classification: Uncertain significance. Last evaluated: 2025-06-29. Review status: criteria provided, single submitter. Criteria: ACMG Guidelines, 2015. Collection method: clinical testing. Allele origin: germline. Observed: 1 variant allele.
Comment: BP4

Labcorp Genetics (formerly Invitae), Labcorp
Classification: Likely benign for LAMA2-related muscular dystrophy. Last evaluated: 2022-06-14. Review status: criteria provided, single submitter. Criteria: Invitae Variant Classification Sherloc (09022015). Collection method: clinical testing. Allele origin: germline.